The following is an entry in ClinVar:

ClinVar aggregate classification (germline): Likely benign. Review status: criteria provided, multiple submitters, no conflicts (2 of 4 stars). 2 submissions from 2 submitters: Likely benign (2). Last evaluated 2026-04-01.

Conditions:
Congenital dyserythropoietic anemia, type II (CDAN2). Also called: DYSERYTHROPOIETIC ANEMIA, HEMPAS TYPE. Identifiers: Orphanet 98873, MedGen C1306589, MONDO:0009134, OMIM 224100.
Cowden syndrome 7 (CWS7). Identifiers: Orphanet 201, MedGen C4225179, MONDO:0014802, OMIM 616858.

Allele frequency attached by ClinVar (database versions not stated): gnomAD exomes 0.00001; ExAC 0.00003; gnomAD 0.00005; TOPMed 0.00005; ESP Exome Variant Server 0.00023.
gnomAD v4.1: 24 of 1,614,094 alleles (0.0015%); highest among the groups gnomAD compares: African/African-American, 0.02%; no homozygotes.

Submissions (2):

CeGaT Center for Human Genetics Tuebingen
Classification: Likely benign. Last evaluated: 2026-04-01. Review status: criteria provided, single submitter. Criteria: CeGaT Center For Human Genetics Tuebingen Variant Classification Criteria Version 2. Collection method: clinical testing. Allele origin: germline. Affected: yes. Observed: 2 variant alleles.
Comment: SEC23B: BP4, BP7

Labcorp Genetics (formerly Invitae), Labcorp
Classification: Likely benign for Congenital dyserythropoietic anemia, type II; Cowden syndrome 7. Last evaluated: 2025-08-13. Review status: criteria provided, single submitter. Criteria: Invitae Variant Classification Sherloc (09022015). Collection method: clinical testing. Allele origin: germline.

NM_006363.6(SEC23B):c.897G>A (p.Gly299=)

Gene: SEC23B (SEC23 homolog B, COPII component; plus strand). Cytogenetic location: 20p11.23.
Variant type: single nucleotide variant.
Coding change: c.897G>A on transcript NM_006363.6 (MANE Select); coding-DNA position 897, G replaced by A.
Protein change: p.Gly299=; no amino-acid change (glycine 299 retained).
Molecular consequence: synonymous variant.
Genome position (GRCh38, 1-based): chr20:18,526,435, G>A. VCF-style: chr20-18526435-G-A. GRCh37 (hg19) VCF-style: chr20-18507079-G-A.
Other names: c.897G>A, p.Gly299= (NM_001172745.3, NM_032985.6, NM_032986.5); c.843G>A, p.Gly281= (NM_001172746.3).
Identifiers: ClinVar variation 2927674 (VCV002927674.5), dbSNP rs150787662, ClinGen allele CA9778163.